The following is an entry in ClinVar:

ClinVar aggregate classification (germline): Uncertain significance (1 of 4 stars; one submission).

Allele frequency attached by ClinVar (database versions not stated): ExAC 0.00004; TOPMed 0.00001; gnomAD 0.00001.

Submission:

Labcorp Genetics (formerly Invitae), Labcorp
Classification: Uncertain significance. Last evaluated: 2024-09-09. Review status: criteria provided, single submitter. Criteria: Invitae Variant Classification Sherloc (09022015). Collection method: clinical testing. Allele origin: germline.
Comment: This sequence change replaces alanine, which is neutral and non-polar, with valine, which is neutral and non-polar, at codon 1967 of the NIN protein (p.Ala1967Val). The frequency data for this variant in the population databases is considered unreliable, as metrics indicate poor data quality at this position in the gnomAD database. This variant has not been reported in the literature in individuals affected with NIN-related conditions. ClinVar contains an entry for this variant (Variation ID: 2074514). An algorithm developed to predict the effect of missense changes on protein structure and function outputs the following: PolyPhen-2: "Benign". The valine amino acid residue is found in multiple mammalian species, which suggests that this missense change does not adversely affect protein function. In summary, the available evidence is currently insufficient to determine the role of this variant in disease. Therefore, it has been classified as a Variant of Uncertain Significance.

NM_020921.4(NIN):c.5900C>T (p.Ala1967Val)

Gene: NIN (ninein; minus strand). Cytogenetic location: 14q22.1.
Variant type: single nucleotide variant.
Coding change: c.5900C>T on transcript NM_020921.4 (MANE Select); coding-DNA position 5900, C replaced by T.
Protein change: p.Ala1967Val; replaces alanine 1967 with valine.
Molecular consequence: missense variant.
Genome position (GRCh38, 1-based): chr14:50,729,701, G>A on the plus strand (C>T on the coding strand, the complement: NIN is on the minus strand). VCF-style: chr14-50729701-G-A. GRCh37 (hg19) VCF-style: chr14-51196419-G-A.
Other names: c.3761C>T, p.Ala1254Val (NM_016350.5); c.5900C>T, p.Ala1967Val (NM_182944.3, NM_182946.2); short protein forms A1254V, A1967V.
Identifiers: ClinVar variation 2074514 (VCV002074514.4), dbSNP rs756433943, ClinGen allele CA7181089.